The following is an entry in ClinVar:

NM_002230.4(JUP):c.2129C>A (p.Pro710His)

Gene: JUP (junction plakoglobin; minus strand). Cytogenetic location: 17q21.2.
Variant type: single nucleotide variant.
Coding change: c.2129C>A on transcript NM_002230.4 (MANE Select); coding-DNA position 2129, C replaced by A.
Protein change: p.Pro710His; replaces proline 710 with histidine.
Molecular consequence: missense variant.
Genome position (GRCh38, 1-based): chr17:41,755,853, G>T on the plus strand (C>A on the coding strand, the complement: JUP is on the minus strand). VCF-style: chr17-41755853-G-T. GRCh37 (hg19) VCF-style: chr17-39912105-G-T.
Other names: c.2129C>A, p.Pro710His (NM_001352773.2, NM_001352774.2, NM_001352775.2 and 3 more transcripts); short protein forms P710H.
Identifiers: ClinVar variation 2165875 (VCV002165875.5), dbSNP rs1481267089, ClinGen allele CA399490658.

ClinVar aggregate classification (germline): Uncertain significance. Review status: criteria provided, multiple submitters, no conflicts (2 of 4 stars). 2 submissions from 2 submitters: Uncertain significance (2). Last evaluated 2025-12-10.

Conditions:
Cardiovascular phenotype. Identifiers: MedGen CN230736.
Naxos disease (NXD). Also called: WOOLLY HAIR, PALMOPLANTAR KERATODERMA, AND CARDIAC ABNORMALITIES; KERATOSIS PALMOPLANTARIS WITH ARRHYTHMOGENIC CARDIOMYOPATHY; MAL DE NAXOS; PALMOPLANTAR KERATODERMA WITH ARRHYTHMOGENIC RIGHT VENTRICULAR CARDIOMYOPATHY AND WOOLLY HAIR; CARDIOMYOPATHY, ARRHYTHMOGENIC RIGHT VENTRICULAR, WITH SKIN, HAIR, AND NAIL ABNORMALITIES. Identifiers: Orphanet 34217, MedGen C1832600, MONDO:0011017, OMIM 601214.
Arrhythmogenic right ventricular dysplasia 12. Also called: ARRHYTHMOGENIC RIGHT VENTRICULAR DYSPLASIA, FAMILIAL, 12. Identifiers: MedGen C1969081, MONDO:0012684, OMIM 611528.

Allele frequency attached by ClinVar (database versions not stated): gnomAD exomes below 0.00001; TOPMed below 0.00001; gnomAD 0.00001.
gnomAD v4.1: 5 of 1,613,062 alleles (0.00031%); highest among the groups gnomAD compares: Non-Finnish European, 0.00034%; no homozygotes.

Submissions (2):

Ambry Genetics
Classification: Uncertain significance for Cardiovascular phenotype. Last evaluated: 2025-12-10. Review status: criteria provided, single submitter. Criteria: Ambry Variant Classification Scheme 2023. Collection method: clinical testing. Allele origin: germline.
Comment: The p.P710H variant (also known as c.2129C>A), located in coding exon 13 of the JUP gene, results from a C to A substitution at nucleotide position 2129. The proline at codon 710 is replaced by histidine, an amino acid with similar properties. This amino acid position is conserved. In addition, the in silico prediction for this alteration is inconclusive. Based on the available evidence, the clinical significance of this variant remains unclear.

Labcorp Genetics (formerly Invitae), Labcorp
Classification: Uncertain significance for Arrhythmogenic right ventricular dysplasia 12; Naxos disease. Last evaluated: 2022-02-22. Review status: criteria provided, single submitter. Criteria: Invitae Variant Classification Sherloc (09022015). Collection method: clinical testing. Allele origin: germline.
Comment: In summary, the available evidence is currently insufficient to determine the role of this variant in disease. Therefore, it has been classified as a Variant of Uncertain Significance. Algorithms developed to predict the effect of missense changes on protein structure and function are either unavailable or do not agree on the potential impact of this missense change (SIFT: "Deleterious"; PolyPhen-2: "Probably Damaging"; Align-GVGD: "Class C0"). This variant has not been reported in the literature in individuals affected with JUP-related conditions. This variant is not present in population databases (gnomAD no frequency). This sequence change replaces proline, which is neutral and non-polar, with histidine, which is basic and polar, at codon 710 of the JUP protein (p.Pro710His).